The following is an entry in ClinVar:

ClinVar aggregate classification (germline): Uncertain significance. Review status: criteria provided, multiple submitters, no conflicts (2 of 4 stars). 2 submissions from 2 submitters: Uncertain significance (2). Last evaluated 2025-10-18.

Conditions:
Joubert syndrome 21 (JBTS21). Identifiers: MedGen C3810212, MONDO:0014288, OMIM 615636.
Inborn genetic diseases. Identifiers: MedGen C0950123, MeSH D030342.

Allele frequency attached by ClinVar (database versions not stated): 1000 Genomes Project 30x 0.00016.
gnomAD v4.1: 43 of 1,613,548 alleles (0.0027%); highest among the groups gnomAD compares: South Asian, 0.045%; no homozygotes.

Submissions (2):

Ambry Genetics
Classification: Uncertain significance for Inborn genetic diseases. Last evaluated: 2025-10-18. Review status: criteria provided, single submitter. Criteria: Ambry Variant Classification Scheme 2023. Collection method: clinical testing. Allele origin: germline.

Labcorp Genetics (formerly Invitae), Labcorp
Classification: Uncertain significance for Joubert syndrome 21. Last evaluated: 2022-07-19. Review status: criteria provided, single submitter. Criteria: Invitae Variant Classification Sherloc (09022015). Collection method: clinical testing. Allele origin: germline.
Comment: This sequence change replaces proline, which is neutral and non-polar, with arginine, which is basic and polar, at codon 887 of the CSPP1 protein (p.Pro887Arg). This variant is present in population databases (rs779762140, gnomAD 0.06%). This variant has not been reported in the literature in individuals affected with CSPP1-related conditions. ClinVar contains an entry for this variant (Variation ID: 859017). Algorithms developed to predict the effect of missense changes on protein structure and function are either unavailable or do not agree on the potential impact of this missense change (SIFT: "Deleterious"; PolyPhen-2: "Probably Damaging"; Align-GVGD: "Class C0"). In summary, the available evidence is currently insufficient to determine the role of this variant in disease. Therefore, it has been classified as a Variant of Uncertain Significance.

NM_001382391.1(CSPP1):c.2675C>G (p.Pro892Arg)

Gene: CSPP1 (centrosome and spindle pole associated protein 1; plus strand). Cytogenetic location: 8q13.2.
Variant type: single nucleotide variant.
Coding change: c.2675C>G on transcript NM_001382391.1 (MANE Select); coding-DNA position 2675, C replaced by G.
Protein change: p.Pro892Arg; replaces proline 892 with arginine.
Molecular consequence: missense variant.
Genome position (GRCh38, 1-based): chr8:67,163,763, C>G. VCF-style: chr8-67163763-C-G. GRCh37 (hg19) VCF-style: chr8-68075998-C-G.
Other names: c.1625C>G, p.Pro542Arg (NM_001291339.2); c.2594C>G, p.Pro865Arg (NM_001363131.2); c.2480C>G, p.Pro827Arg (NM_001363132.2); c.2399C>G, p.Pro800Arg (NM_001363133.2); c.2741C>G, p.Pro914Arg (NM_001364869.1); c.2561C>G, p.Pro854Arg (NM_001364870.1); c.2660C>G, p.Pro887Arg (NM_024790.7); short protein forms P542R, P854R, P887R, P800R, P865R, P914R, P827R, P892R.
Identifiers: ClinVar variation 859017 (VCV000859017.8), dbSNP rs779762140, ClinGen allele CA4770905.